The following is an entry in ClinVar:

NM_003839.4(TNFRSF11A):c.728C>T (p.Thr243Ile)

Gene: TNFRSF11A (TNF receptor superfamily member 11a; plus strand). Cytogenetic location: 18q21.33.
Variant type: single nucleotide variant.
Coding change: c.728C>T on transcript NM_003839.4 (MANE Select); coding-DNA position 728, C replaced by T.
Protein change: p.Thr243Ile; replaces threonine 243 with isoleucine.
Molecular consequence: missense variant. On other transcripts: intron variant (1).
Genome position (GRCh38, 1-based): chr18:62,361,791, C>T. VCF-style: chr18-62361791-C-T. GRCh37 (hg19) VCF-style: chr18-60029024-C-T.
Other names: c.728C>T, p.Thr243Ile (NM_001270949.2, NM_001270950.2); c.686C>T, p.Thr229Ile (NM_001278268.2); c.616+1742C>T (NM_001270951.2); short protein forms T243I, T229I.
Identifiers: ClinVar variation 4703010 (VCV004703010.2).
Genomic context (GRCh38, chr18:62,361,791, plus strand): 5'-TGGCCCTGGTGGCTGCCATCATCTTTGGCGTTTGCTATAGGAAAAAAGGGAAAGCACTCA[C>T]AGGTATTGTGTCTATGGTGGTTTTTGCAAACCAATCTTAAAAGATAGATTTCTAGGTAAA-3'
Protein context (NP_003830.1, residues 233-253): VCYRKKGKAL[Thr243Ile]ANLWHWINEA

ClinVar aggregate classification (germline): Uncertain significance. Review status: criteria provided, multiple submitters, no conflicts (2 of 4 stars). 2 submissions from 2 submitters: Uncertain significance (2). Last evaluated 2026-02-11.

Submissions (2):

GeneDx
Classification: Uncertain significance. Last evaluated: 2026-02-11. Review status: criteria provided, single submitter. Criteria: GeneDx Variant Classification Process June 2021. Collection method: clinical testing. Allele origin: germline.
Comment: Not observed at significant frequency in large population cohorts (gnomAD); In silico analysis supports that this missense variant has a deleterious effect on protein structure/function; Has not been previously published as pathogenic or benign to our knowledge

Labcorp Genetics (formerly Invitae), Labcorp
Classification: Uncertain significance. Last evaluated: 2026-01-07. Review status: criteria provided, single submitter. Criteria: Invitae Variant Classification Sherloc (09022015). Collection method: clinical testing. Allele origin: germline.
Comment: This sequence change replaces threonine, which is neutral and polar, with isoleucine, which is neutral and non-polar, at codon 243 of the TNFRSF11A protein (p.Thr243Ile). This variant is not present in population databases (gnomAD no frequency). This variant has not been reported in the literature in individuals affected with TNFRSF11A-related conditions. An algorithm developed to predict the effect of missense changes on protein structure and function (PolyPhen-2) suggests that this variant is likely to be disruptive. Algorithms developed to predict the effect of sequence changes on RNA splicing suggest that this variant may disrupt the consensus splice site. In summary, the available evidence is currently insufficient to determine the role of this variant in disease. Therefore, it has been classified as a Variant of Uncertain Significance.